The following is an entry in ClinVar:

ClinVar aggregate classification (germline): Pathogenic (1 of 4 stars; one submission).

Conditions:
Hereditary cancer-predisposing syndrome. Also called: Neoplastic Syndromes, Hereditary; Tumor predisposition; Hereditary Cancer Syndrome; Hereditary neoplastic syndrome. Identifiers: Orphanet 140162, MedGen C0027672, MeSH D009386, MONDO:0015356.

Submission:

Color Diagnostics, LLC DBA Color Health
Classification: Pathogenic for Hereditary cancer-predisposing syndrome. Last evaluated: 2023-05-09. Review status: criteria provided, single submitter. Criteria: ACMG Guidelines, 2015. Collection method: clinical testing. Allele origin: germline.
Comment: This variant deletes 1 nucleotide in exon 16 of the APC gene, creating a frameshift and premature translation stop signal. This variant is expected to escape nonsense-mediated decay and be expressed as a truncated protein. Although functional studies have not been reported, this variant is expected to disrupt several important functional domains including the beta-catenin, EB1, and HDLG binding domains, SAMP-repeats, and the basic domain. To our knowledge, this variant has not been reported in individuals affected with APC-related disorders in the literature. This variant has not been identified in the general population by the Genome Aggregation Database (gnomAD). Loss of APC function is a known mechanism of disease. Based on the available evidence, this variant is classified as Pathogenic.

NM_000038.6(APC):c.5635del (p.Ala1879fs)

Gene: APC (APC regulator of Wnt signaling pathway; plus strand). Cytogenetic location: 5q22.2.
Variant type: Deletion.
Coding change: c.5635del on transcript NM_000038.6 (MANE Select); coding-DNA position 5635, one base deleted (G; older notation c.5635delG).
Protein change: p.Ala1879fs; shifts the reading frame from alanine 1879.
Molecular consequence: frameshift variant. On other transcripts: non-coding transcript variant (2).
Genome position (GRCh38, 1-based): chr5:112,841,229, G deleted; the last of 2 consecutive G bases (chr5:112,841,228-112,841,229); deleting either gives the same sequence. VCF-style (leftmost placement, unchanged base first): chr5-112841227-AG-A. GRCh37 (hg19) VCF-style: chr5-112176924-AG-A.
Other names: c.5635del, p.Ala1879fs (NM_001127510.3, NM_001354895.2, NM_001407450.1); c.5581del, p.Ala1861fs (NM_001127511.3); c.5689del, p.Ala1897fs (NM_001354896.2, NM_001407447.1, NM_001407448.1 and 1 more transcripts); c.5665del, p.Ala1889fs (NM_001354897.2); c.5560del, p.Ala1854fs (NM_001354898.2); c.5551del, p.Ala1851fs (NM_001354899.2); c.5512del, p.Ala1838fs (NM_001354900.2); c.5458del, p.Ala1820fs (NM_001354901.2, NM_001407453.1); and 11 more; short protein forms A1495fs, A1596fs, A1719fs, A1750fs, A1753fs, A1778fs, A1788fs, A1796fs.
Identifiers: ClinVar variation 3894362 (VCV003894362.1).